The following is an entry in ClinVar:

NM_001371928.1(AHDC1):c.4765A>G (p.Met1589Val)

Gene: AHDC1 (AT-hook DNA binding motif containing 1; minus strand). Cytogenetic location: 1p36.11.
Variant type: single nucleotide variant.
Coding change: c.4765A>G on transcript NM_001371928.1 (MANE Select); coding-DNA position 4765, A replaced by G.
Protein change: p.Met1589Val; replaces methionine 1589 with valine.
Molecular consequence: missense variant.
Genome position (GRCh38, 1-based): chr1:27,547,351, T>C on the plus strand (A>G on the coding strand, the complement: AHDC1 is on the minus strand). VCF-style: chr1-27547351-T-C. GRCh37 (hg19) VCF-style: chr1-27873862-T-C.
Other names: c.4765A>G, p.Met1589Val (NM_001029882.3); c.721A>G, p.Met241Val (NM_015699.1); short protein forms M1589V, M241V.
Identifiers: ClinVar variation 1986611 (VCV001986611.3), dbSNP rs1421962085, ClinGen allele CA339220049.
Genomic context (GRCh38, chr1:27,547,351, plus strand): 5'-ACTTCAGTTGGCACTACAGGGATGTGACGGTGAATGTGTCCTCGGGGTGAGGTTCCGCCA[T>C]GGGCCCCAGGAAGCCGCTCTTGGGGCCCCCACCCAGGCCAGGATGCGCCTGGGGCATAAA-3'
Protein context (NP_001358857.1, residues 1579-1599): GGPKSGFLGP[Met1589Val]AEPHPEDTFT

ClinVar aggregate classification (germline): Uncertain significance (1 of 4 stars; one submission).

Allele frequency attached by ClinVar (database versions not stated): gnomAD exomes below 0.00001; TOPMed 0.00001.

Submission:

Labcorp Genetics (formerly Invitae), Labcorp
Classification: Uncertain significance. Last evaluated: 2025-06-01. Review status: criteria provided, single submitter. Criteria: Invitae Variant Classification Sherloc (09022015). Collection method: clinical testing. Allele origin: germline.
Comment: This sequence change replaces methionine, which is neutral and non-polar, with valine, which is neutral and non-polar, at codon 1589 of the AHDC1 protein (p.Met1589Val). The frequency data for this variant in the population databases is considered unreliable, as metrics indicate poor data quality at this position in the gnomAD database. This variant has not been reported in the literature in individuals affected with AHDC1-related conditions. ClinVar contains an entry for this variant (Variation ID: 1986611). An algorithm developed to predict the effect of missense changes on protein structure and function (PolyPhen-2) suggests that this variant is likely to be tolerated. In summary, the available evidence is currently insufficient to determine the role of this variant in disease. Therefore, it has been classified as a Variant of Uncertain Significance.